The following is an entry in ClinVar:

ClinVar aggregate classification (germline): Uncertain significance. Review status: criteria provided, multiple submitters, no conflicts (2 of 4 stars). 3 submissions from 3 submitters: Uncertain significance (3). Last evaluated 2023-04-11.

Conditions:
Pyridoxine-dependent epilepsy (EPEO4). Also called: Pyridoxine-Dependent Seizures; Pyridoxine-Dependent Epilepsy - ALDH7A1; PYRIDOXINE DEPENDENCY WITH SEIZURES; EPILEPSY, EARLY-ONSET, 4, VITAMIN B6-DEPENDENT. Identifiers: Orphanet 3006, MedGen C1849508, MONDO:0009945, OMIM 266100. Disease mechanism: loss of function.

Allele frequency attached by ClinVar (database versions not stated): TOPMed 0.00001; gnomAD exomes 0.00002 and 0.00001; gnomAD 0.00001.
gnomAD v4.1: 25 of 1,614,026 alleles (0.0015%); highest among the groups gnomAD compares: Non-Finnish European, 0.0021%; no homozygotes.

Submissions (3):

Genome-Nilou Lab
Classification: Uncertain significance for Pyridoxine-dependent epilepsy. Last evaluated: 2023-04-11. Review status: criteria provided, single submitter. Criteria: ACMG Guidelines, 2015. Collection method: clinical testing. Allele origin: germline. Affected: no.

Labcorp Genetics (formerly Invitae), Labcorp
Classification: Uncertain significance for Pyridoxine-dependent epilepsy. Last evaluated: 2022-10-18. Review status: criteria provided, single submitter. Criteria: Invitae Variant Classification Sherloc (09022015). Collection method: clinical testing. Allele origin: germline.
Comment: This sequence change replaces glycine, which is neutral and non-polar, with valine, which is neutral and non-polar, at codon 494 of the ALDH7A1 protein (p.Gly494Val). This variant is present in population databases (rs763418390, gnomAD 0.003%). This variant has not been reported in the literature in individuals affected with ALDH7A1-related conditions. ClinVar contains an entry for this variant (Variation ID: 204851). Advanced modeling of protein sequence and biophysical properties (such as structural, functional, and spatial information, amino acid conservation, physicochemical variation, residue mobility, and thermodynamic stability) performed at Invitae indicates that this missense variant is expected to disrupt ALDH7A1 protein function. In summary, the available evidence is currently insufficient to determine the role of this variant in disease. Therefore, it has been classified as a Variant of Uncertain Significance.

GeneDx
Classification: Uncertain significance. Last evaluated: 2018-03-06. Review status: criteria provided, single submitter. Criteria: GeneDx Variant Classification (06012015). Collection method: clinical testing. Allele origin: germline. Affected: yes.
Comment: p.Gly494Val (GGT>GTT): c.1481 G>T in exon 16 of the ALDH7A1 gene (NM_001182.4). The Gly494Val variant has not been published as a mutation, nor has it been reported as a benign polymorphism to our knowledge. It was not observed in approximately 6,500 individuals of European and African American ancestry in the NHLBI Exome Sequencing Project, indicating it is not a common benign variant in these populations. This substitution occurs at a position that is highly conserved across species, and in silico analysis predicts this variant is probably damaging to the protein structure/function. Additionally, a different missense mutation at the same position (Gly494Arg) and a missense mutation in the adjacent amino acid (Ala495Thr) have been previously reported in association with pyridoxine dependent epilepsy, supporting the functional importance of this region of the protein. However, the Gly494Val variant is a conservative amino acid substitution, which is not likely to impact secondary protein structure as these residues share similar properties. Therefore, based on the currently available information, it is unclear whether this variant is a pathogenic mutation or a rare benign variant. The variant is found in INFANT-EPI panel(s).

NM_001182.5(ALDH7A1):c.1481G>T (p.Gly494Val)

Gene: ALDH7A1 (aldehyde dehydrogenase 7 family member A1; minus strand). Cytogenetic location: 5q23.2.
Variant type: single nucleotide variant.
Coding change: c.1481G>T on transcript NM_001182.5 (MANE Select); coding-DNA position 1481, G replaced by T.
Protein change: p.Gly494Val; replaces glycine 494 with valine.
Molecular consequence: missense variant.
Genome position (GRCh38, 1-based): chr5:126,549,937, C>A on the plus strand (G>T on the coding strand, the complement: ALDH7A1 is on the minus strand). VCF-style: chr5-126549937-C-A. GRCh37 (hg19) VCF-style: chr5-125885629-C-A.
Other names: p.G494V:GGT>GTT; c.1397G>T, p.Gly466Val (NM_001201377.2); c.1289G>T, p.Gly430Val (NM_001202404.2); short protein forms G494V, G430V, G466V.
Identifiers: ClinVar variation 204851 (VCV000204851.9), dbSNP rs763418390, ClinGen allele CA313209.